The following is an entry in ClinVar:

ClinVar aggregate classification (germline): Likely benign (0 of 4 stars; one submission).

Conditions:
PLXNA3-related disorder. Also called: PLXNA3-related condition.

Allele frequency attached by ClinVar (database versions not stated): ESP Exome Variant Server 0.00009; ExAC 0.00011; gnomAD exomes 0.00017; gnomAD 0.00025; TOPMed 0.00028.
gnomAD v4.1: 213 of 1,210,645 alleles (0.018%); highest among the groups gnomAD compares: African/African-American, 0.059%; no homozygotes.

Submission:

PreventionGenetics, part of Exact Sciences
Classification: Likely benign for PLXNA3-related condition. Last evaluated: 2021-07-08. Review status: no assertion criteria provided. Collection method: clinical testing. Allele origin: germline.
Comment: This variant is classified as likely benign based on ACMG/AMP sequence variant interpretation guidelines (Richards et al. 2015 PMID: 25741868, with internal and published modifications).

NM_017514.5(PLXNA3):c.684C>T (p.Tyr228=)

Gene: PLXNA3 (plexin A3; plus strand). Cytogenetic location: Xq28.
Variant type: single nucleotide variant.
Coding change: c.684C>T on transcript NM_017514.5 (MANE Select); coding-DNA position 684, C replaced by T.
Protein change: p.Tyr228=; no amino-acid change (tyrosine 228 retained).
Molecular consequence: synonymous variant.
Genome position (GRCh38, 1-based): chrX:154,461,188, C>T. VCF-style: chrX-154461188-C-T. GRCh37 (hg19) VCF-style: chrX-153689528-C-T.
Identifiers: ClinVar variation 3035486 (VCV003035486.2), dbSNP rs202056396, ClinGen allele CA10563781.